The following is an entry in ClinVar:

ClinVar aggregate classification (germline): Uncertain significance (1 of 4 stars; one submission).

Conditions:
Gastrointestinal stromal tumor. Also called: Gastrointestinal stroma tumor; Gastrointestinal stromal tumor, somatic. Identifiers: Orphanet 44890, MedGen C0238198, MeSH D046152, MONDO:0011719, OMIM 606764, HP:0100723.

Allele frequency attached by ClinVar (database versions not stated): gnomAD exomes below 0.00001.

Submission:

Labcorp Genetics (formerly Invitae), Labcorp
Classification: Uncertain significance for Gastrointestinal stromal tumor. Last evaluated: 2024-11-18. Review status: criteria provided, single submitter. Criteria: Invitae Variant Classification Sherloc (09022015). Collection method: clinical testing. Allele origin: germline.
Comment: This sequence change creates a premature translational stop signal (p.Gln947Argfs*5) in the KIT gene. While this is not anticipated to result in nonsense mediated decay, it is expected to disrupt the last 30 amino acid(s) of the KIT protein. This variant is not present in population databases (gnomAD no frequency). This variant has not been reported in the literature in individuals affected with KIT-related conditions. ClinVar contains an entry for this variant (Variation ID: 2087953). In summary, the available evidence is currently insufficient to determine the role of this variant in disease. Therefore, it has been classified as a Variant of Uncertain Significance.

NM_000222.3(KIT):c.2840del (p.Gln947fs)

Gene: KIT (KIT proto-oncogene, receptor tyrosine kinase; plus strand). Cytogenetic location: 4q12.
Variant type: Deletion.
Coding change: c.2840del on transcript NM_000222.3 (MANE Select); coding-DNA position 2840, one base deleted (A; older notation c.2840delA).
Protein change: p.Gln947fs; shifts the reading frame from glutamine 947.
Molecular consequence: frameshift variant.
Genome position (GRCh38, 1-based): chr4:54,738,466, A deleted. VCF-style (leftmost placement, unchanged base first): chr4-54738465-CA-C. GRCh37 (hg19) VCF-style: chr4-55604631-CA-C.
Other names: c.2828del, p.Gln943fs (NM_001093772.2, NM_001385292.1); c.2843del, p.Gln948fs (NM_001385284.1); c.2837del, p.Gln946fs (NM_001385285.1); c.2825del, p.Gln942fs (NM_001385286.1); c.2831del, p.Gln944fs (NM_001385288.1); c.2840del, p.Gln947fs (NM_001385290.1); short protein forms Q944fs, Q946fs, Q948fs, Q942fs, Q943fs, Q947fs.
Identifiers: ClinVar variation 2087953 (VCV002087953.4), dbSNP rs2475589432, ClinGen allele CA2580071161.